The following is an entry in ClinVar:

NM_000038.6(APC):c.5038C>G (p.Gln1680Glu)

Gene: APC (APC regulator of Wnt signaling pathway; plus strand). Cytogenetic location: 5q22.2.
Variant type: single nucleotide variant.
Coding change: c.5038C>G on transcript NM_000038.6 (MANE Select); coding-DNA position 5038, C replaced by G.
Protein change: p.Gln1680Glu; replaces glutamine 1680 with glutamic acid.
Molecular consequence: missense variant.
Genome position (GRCh38, 1-based): chr5:112,840,632, C>G. VCF-style: chr5-112840632-C-G. GRCh37 (hg19) VCF-style: chr5-112176329-C-G.
Other names: c.5038C>G, p.Gln1680Glu (NM_001127510.3, NM_001354895.2); c.4984C>G, p.Gln1662Glu (NM_001127511.3); c.5092C>G, p.Gln1698Glu (NM_001354896.2); c.5068C>G, p.Gln1690Glu (NM_001354897.2); c.4963C>G, p.Gln1655Glu (NM_001354898.2); c.4954C>G, p.Gln1652Glu (NM_001354899.2); c.4915C>G, p.Gln1639Glu (NM_001354900.2); c.4861C>G, p.Gln1621Glu (NM_001354901.2); and 5 more; short protein forms Q1652E, Q1662E, Q1680E, Q1690E, Q1698E, Q1397E, Q1554E, Q1520E.
Identifiers: ClinVar variation 657857 (VCV000657857.15), dbSNP rs754122018, ClinGen allele CA040478.

ClinVar aggregate classification (germline): Uncertain significance. Review status: criteria provided, multiple submitters, no conflicts (2 of 4 stars). 4 submissions from 4 submitters: Uncertain significance (3). 1 of the submissions does not count toward it. Last evaluated 2022-08-02.

Conditions:
Familial adenomatous polyposis 1 (FAP1). Also called: POLYPOSIS, ADENOMATOUS INTESTINAL; FAMILIAL ADENOMATOUS POLYPOSIS 1, ATTENUATED. Identifiers: MedGen C2713442, MONDO:0021056, OMIM 175100. Disease mechanism: loss of function.
Hereditary cancer-predisposing syndrome. Also called: Hereditary neoplastic syndrome; Neoplastic Syndromes, Hereditary; Hereditary Cancer Syndrome; Tumor predisposition. Identifiers: Orphanet 140162, MedGen C0027672, MeSH D009386, MONDO:0015356.

Allele frequency attached by ClinVar (database versions not stated): gnomAD exomes below 0.00001; ExAC 0.00001.
gnomAD v4.1: 1 of 1,613,872 alleles (0.000062%); highest among the groups gnomAD compares: Admixed American, 0.0017%; no homozygotes.

Submissions (4):

Labcorp Genetics (formerly Invitae), Labcorp
Classification: Uncertain significance for Familial adenomatous polyposis 1. Last evaluated: 2022-08-02. Review status: criteria provided, single submitter. Criteria: Invitae Variant Classification Sherloc (09022015). Collection method: clinical testing. Allele origin: germline.
Comment: Algorithms developed to predict the effect of missense changes on protein structure and function (SIFT, PolyPhen-2, Align-GVGD) all suggest that this variant is likely to be tolerated. This sequence change replaces glutamine, which is neutral and polar, with glutamic acid, which is acidic and polar, at codon 1680 of the APC protein (p.Gln1680Glu). This variant is present in population databases (rs754122018, gnomAD 0.003%). This variant has not been reported in the literature in individuals affected with APC-related conditions. ClinVar contains an entry for this variant (Variation ID: 657857). In summary, the available evidence is currently insufficient to determine the role of this variant in disease. Therefore, it has been classified as a Variant of Uncertain Significance.

Ambry Genetics
Classification: Uncertain significance for Hereditary cancer-predisposing syndrome. Last evaluated: 2022-07-29. Review status: criteria provided, single submitter. Criteria: Ambry Variant Classification Scheme 2023. Collection method: clinical testing. Allele origin: germline.
Comment: The p.Q1680E variant (also known as c.5038C>G), located in coding exon 15 of the APC gene, results from a C to G substitution at nucleotide position 5038. The glutamine at codon 1680 is replaced by glutamic acid, an amino acid with highly similar properties. This amino acid position is conserved. In addition, in silico predictors for this gene do not accurately predict pathogenicity. Since supporting evidence is limited at this time, the clinical significance of this alteration remains unclear.

Mendelics
Classification: Uncertain significance for Familial adenomatous polyposis 1. Last evaluated: 2019-05-28. Review status: criteria provided, single submitter. Criteria: Mendelics Assertion Criteria 2017. Collection method: clinical testing. Allele origin: unknown.

Department of Pathology and Laboratory Medicine, Sinai Health System
Classification: Uncertain significance for Familial adenomatous polyposis 1. Review status: no assertion criteria provided. Collection method: clinical testing. Allele origin: unknown. Affected: yes. Observed: 1 variant allele. Study: The Canadian Open Genetics Repository (COGR). Not counted in ClinVar's aggregate classification.
Comment: The APC p.Gln1680Glu variant was not identified in the literature nor was it identified in the ClinVar, LOVD 3.0, or UMD-LSDB databases. The variant was identified in dbSNP (ID: rs754122018) as "With Pathogenic allele" however this entry also refers to the T allele at this loci which creates a termination codon. The variant was identified in control databases in 1 of 244862 chromosomes at a frequency of 0.000004 (Genome Aggregation Database Feb 27, 2017). The variant was observed in the Latino population in 1 of 33510 chromosomes (freq: 0.00003), but not in the African, Other, European, Ashkenazi Jewish, East Asian, Finnish, and South Asian populations. The p.Gln1680 residue is not conserved in mammals and four out of five computational analyses (PolyPhen-2, SIFT, AlignGVGD, BLOSUM, MutationTaster) do not suggest a high likelihood of impact to the protein; however, this information is not predictive enough to rule out pathogenicity. The variant occurs outside of the splicing consensus sequence and in silico or computational prediction software programs (SpliceSiteFinder, MaxEntScan, NNSPLICE, GeneSplicer) do not predict a difference in splicing. In summary, based on the above information the clinical significance of this variant cannot be determined with certainty at this time. This variant is classified as a variant of uncertain significance.